The following is an entry in ClinVar:

ClinVar aggregate classification (germline): Conflicting classifications of pathogenicity. Review status: criteria provided, conflicting classifications (1 of 4 stars). 7 submissions from 7 submitters: Uncertain significance (1); Benign (6). Last evaluated 2026-02-04.

Conditions:
Autosomal recessive nonsyndromic hearing loss 9. Also called: AUDITORY NEUROPATHY, AUTOSOMAL RECESSIVE, 1, TEMPERATURE-SENSITIVE; Deafness, autosomal recessive 9; OTOF-Related Hearing Loss; NEUROSENSORY NONSYNDROMIC RECESSIVE DEAFNESS 9. Identifiers: Orphanet 90636, MedGen C1832828, MONDO:0010986, OMIM 601071.

Allele frequency attached by ClinVar (database versions not stated): 1000 Genomes Project 0.00659; TOPMed 0.01429; ESP Exome Variant Server 0.01876; 1000 Genomes Project 30x 0.00640.
gnomAD v4.1: 30,680 of 1,613,904 alleles (1.9%); highest among the groups gnomAD compares: Non-Finnish European, 2.2%; 371 homozygotes.

Submissions (7):

Labcorp Genetics (formerly Invitae), Labcorp
Classification: Benign. Last evaluated: 2026-02-04. Review status: criteria provided, single submitter. Criteria: Invitae Variant Classification Sherloc (09022015). Collection method: clinical testing. Allele origin: germline.

ARUP Laboratories, Molecular Genetics and Genomics, ARUP Laboratories
Classification: Benign. Last evaluated: 2023-10-06. Review status: criteria provided, single submitter. Criteria: ARUP Molecular Germline Variant Investigation Process 2024. Collection method: clinical testing. Allele origin: germline.

Mayo Clinic Laboratories, Mayo Clinic
Classification: Benign. Last evaluated: 2021-02-19. Review status: criteria provided, single submitter. Criteria: ACMG Guidelines, 2015. Collection method: clinical testing. Allele origin: germline. Observed: 11 variant alleles.

Athena Diagnostics
Classification: Benign. Last evaluated: 2018-08-31. Review status: criteria provided, single submitter. Criteria: Athena Diagnostics Criteria. Collection method: clinical testing. Allele origin: germline.

GeneDx
Classification: Benign. Last evaluated: 2018-07-16. Review status: criteria provided, single submitter. Criteria: GeneDx Variant Classification Process June 2021. Collection method: clinical testing. Allele origin: germline. Affected: yes.
Comment: This variant is associated with the following publications: (PMID: 19461658, 18381613)

Illumina Laboratory Services, Illumina
Classification: Uncertain significance for Autosomal recessive nonsyndromic hearing loss 9. Last evaluated: 2018-01-13. Review status: criteria provided, single submitter. Criteria: ICSL Variant Classification Criteria 13 December 2019. Collection method: clinical testing. Allele origin: germline.

Laboratory for Molecular Medicine, Mass General Brigham Personalized Medicine
Classification: Benign. Last evaluated: 2010-10-18. Review status: criteria provided, single submitter. Criteria: LMM Criteria. Collection method: clinical testing. Allele origin: germline. Observed: 64 variant alleles.
Comment: Thr1444Thr in exon 35 of OTOF: This variant is not expected to have clinical sig nificance because it does not alter an amino acid residue, is not located near a splice junction, is reported as benign in one publication (Rodriguez-Ballestero s 2008) and has been identified in 5/211 (2.4%) probands tested by our laborator y (at least 2 have Usher syndrome).

Literature cited by the submitters: PubMed 19461658 (cited by Athena Diagnostics); PubMed 18381613 (cited by Laboratory for Molecular Medicine, Mass General Brigham Personalized Medicine).

NM_194248.3(OTOF):c.4332C>T (p.Thr1444=)

Gene: OTOF (otoferlin; minus strand). Cytogenetic location: 2p23.3.
Variant type: single nucleotide variant.
Coding change: c.4332C>T on transcript NM_194248.3 (MANE Select); coding-DNA position 4332, C replaced by T.
Protein change: p.Thr1444=; no amino-acid change (threonine 1444 retained).
Molecular consequence: synonymous variant.
Genome position (GRCh38, 1-based): chr2:26,467,129, G>A on the plus strand (C>T on the coding strand, the complement: OTOF is on the minus strand). VCF-style: chr2-26467129-G-A. GRCh37 (hg19) VCF-style: chr2-26689997-G-A.
Other names: p.Thr1444=; c.4332C>T, p.Thr1444= (NM_001287489.2); c.2031C>T, p.Thr677= (NM_004802.4, NM_194323.3); c.2262C>T, p.Thr754= (NM_194322.3).
Identifiers: ClinVar variation 48233 (VCV000048233.29), dbSNP rs149236286, ClinGen allele CA142884.